The following is an entry in ClinVar:

NM_002161.6(IARS1):c.1213A>G (p.Thr405Ala)

Gene: IARS1 (isoleucyl-tRNA synthetase 1; minus strand). Cytogenetic location: 9q22.31.
Variant type: single nucleotide variant.
Coding change: c.1213A>G on transcript NM_002161.6 (MANE Select); coding-DNA position 1213, A replaced by G.
Protein change: p.Thr405Ala; replaces threonine 405 with alanine.
Molecular consequence: missense variant. On other transcripts: non-coding transcript variant (1).
Genome position (GRCh38, 1-based): chr9:92,269,976, T>C on the plus strand (A>G on the coding strand, the complement: IARS1 is on the minus strand). VCF-style: chr9-92269976-T-C. GRCh37 (hg19) VCF-style: chr9-95032258-T-C.
Other names: c.1213A>G, p.Thr405Ala (NM_001374299.1, NM_001374300.1, NM_001374301.1 and 14 more transcripts); c.1276A>G, p.Thr426Ala (NM_001378569.1); c.1234A>G, p.Thr412Ala (NM_001378571.1); c.1090A>G, p.Thr364Ala (NM_001378583.1); short protein forms T364A, T405A, T412A, T426A.
Identifiers: ClinVar variation 2662298 (VCV002662298.1), dbSNP rs768846940, ClinGen allele CA5122690.

ClinVar aggregate classification (germline): Uncertain significance (1 of 4 stars; one submission).

Allele frequency attached by ClinVar (database versions not stated): gnomAD exomes below 0.00001; ExAC 0.00001.
gnomAD v4.1: 1 of 1,611,624 alleles (0.000062%); highest among the groups gnomAD compares: Non-Finnish European, 0.000085%; no homozygotes.

Submission:

GeneDx
Classification: Uncertain significance. Last evaluated: 2023-05-18. Review status: criteria provided, single submitter. Criteria: GeneDx Variant Classification Process June 2021. Collection method: clinical testing. Allele origin: germline. Affected: yes.
Comment: Not observed at significant frequency in large population cohorts (gnomAD); In silico analysis supports that this missense variant has a deleterious effect on protein structure/function; Has not been previously published as pathogenic or benign to our knowledge